The following is an entry in ClinVar:

ClinVar aggregate classification (germline): Likely benign (0 of 4 stars; one submission).

Conditions:
SETBP1-related disorder. Also called: SETBP1-related condition; SETBP1-related disorders.

Allele frequency attached by ClinVar (database versions not stated): gnomAD 0.00001.
gnomAD v4.1: 1 of 1,613,996 alleles (0.000062%); highest among the groups gnomAD compares: African/African-American, 0.0013%; no homozygotes.

Submission:

PreventionGenetics, part of Exact Sciences
Classification: Likely benign for SETBP1-related condition. Last evaluated: 2020-01-02. Review status: no assertion criteria provided. Collection method: clinical testing. Allele origin: germline.
Comment: This variant is classified as likely benign based on ACMG/AMP sequence variant interpretation guidelines (Richards et al. 2015 PMID: 25741868, with internal and published modifications).

NM_015559.3(SETBP1):c.3795C>A (p.Gly1265=)

Gene: SETBP1 (SET binding protein 1; plus strand). Cytogenetic location: 18q12.3.
Variant type: single nucleotide variant.
Coding change: c.3795C>A on transcript NM_015559.3 (MANE Select); coding-DNA position 3795, C replaced by A.
Protein change: p.Gly1265=; no amino-acid change (glycine 1265 retained).
Molecular consequence: synonymous variant.
Genome position (GRCh38, 1-based): chr18:44,953,135, C>A. VCF-style: chr18-44953135-C-A. GRCh37 (hg19) VCF-style: chr18-42533100-C-A.
Other names: c.3795C>A, p.Gly1265= (NM_001379141.1, NM_001379142.1, NM_001410862.1).
Identifiers: ClinVar variation 3036383 (VCV003036383.2), dbSNP rs1384664056, ClinGen allele CA503982980.
Genomic context (GRCh38, chr18:44,953,135, plus strand): 5'-CAAGGAAAAAGGAGACTTGAGCAGTGAGCCTGTGGACTCATGCACGAAAAGATACTCTGG[C>A]AGTGGCGGGGATGGTGGCAGCACGAGATCAGAGAACCTGGACGTGTTCAGTGAAATGAAC-3'
Protein context (NP_056374.2, residues 1255-1275): PVDSCTKRYS[Gly1265=]SGGDGGSTRS